The following is an entry in ClinVar:

ClinVar aggregate classification (germline): Pathogenic/Likely pathogenic. Review status: criteria provided, multiple submitters, no conflicts (2 of 4 stars). 11 submissions from 11 submitters: Pathogenic (8); Likely pathogenic (1). 2 of the submissions do not count toward it. Last evaluated 2026-08-26.

Conditions:
ABCC8-related disorder.
Diabetes mellitus, transient neonatal, 2 (TNDM2). Identifiers: Orphanet 99886, MedGen C1835887, MONDO:0012480, OMIM 610374. Disease mechanism: loss of function.
Leucine-induced hypoglycemia (LIH). Also called: LEUCINE-SENSITIVE HYPOGLYCEMIA OF INFANCY. Identifiers: MedGen C0271714, MONDO:0009415, OMIM 240800.
Hyperinsulinemic hypoglycemia, familial, 1 (HHF1). Also called: Persistent hyperinsulinemic hypoglycemia of infancy; HYPERINSULINISM, FAMILIAL, WITH PANCREATIC NESIDIOBLASTOSIS; HYPOGLYCEMIA, HYPERINSULINEMIC, OF INFANCY; Persistent Hyperinsulinemia Hypoglycemia of Infancy; NESIDIOBLASTOSIS OF PANCREAS. Identifiers: Orphanet 276575, Orphanet 276598, MedGen C2931832, MONDO:0009734, OMIM 256450.
Type 2 diabetes mellitus. Also called: Type II diabetes mellitus. Identifiers: MedGen C0011860, MeSH D003924, MONDO:0005148, OMIM 125853, HP:0005978.
Diabetes mellitus, permanent neonatal 3. Also called: ABCC8-Related Permanent Neonatal Diabetes Mellitus. Identifiers: MedGen C5394303, MONDO:0030088, OMIM 618857.
Hereditary hyperinsulinism.

Allele frequency attached by ClinVar (database versions not stated): TOPMed 0.00001; gnomAD 0.00003.
gnomAD v4.1: 8 of 1,613,456 alleles (0.0005%); highest among the groups gnomAD compares: South Asian, 0.0022%; no homozygotes.

Submissions (11):

PreventionGenetics, part of Exact Sciences
Classification: Pathogenic for ABCC8-related condition. Last evaluated: 2026-08-26. Review status: criteria provided, single submitter. Criteria: ACMG Guidelines, 2015. Collection method: clinical testing. Allele origin: germline.
Comment: The ABCC8 c.2797C>T variant is predicted to result in premature protein termination (p.Arg933*). This variant has been reported in the homozygous or compound heterozygous state in individuals with congenital hyperinsulinism (see, for example: Fernandez-Marmiesse et al. 2006. PubMed ID: 16429405; Martínez et al. 2016. PubMed ID: 27188453; Supplementary Table 1, Kamolvisit et al. 2021. PubMed ID: 33822359). It has also been reported in the heterozygous state in affected individuals (Fan et al. 2015. PubMed ID: 26740944; Globa et al. 2024. PubMed ID: 39741883); however, heterozygous parents of individuals with autosomal recessive disease have been reported to be clinically unaffected (Martínez et al. 2016. PubMed ID: 27188453). This variant is reported in 0.0033% of alleles in individuals of South Asian descent in gnomAD. Nonsense variants in ABCC8 are expected to be pathogenic. This variant is interpreted as pathogenic.

Natera, Inc.
Classification: Pathogenic for Hereditary hyperinsulinism. Last evaluated: 2025-09-04. Review status: criteria provided, single submitter. Criteria: Natera Variant Classification Schema (03/2026). Collection method: clinical testing. Allele origin: germline.
Comment: The c.2797C>T variant in ABCC8 is a nonsense variant predicted to introduce a stop codon at amino acid 933. This variant is expected to result in nonsense mediated decay, truncation, or a dysfunctional protein product. This variant is rare in the general population with a frequency below the threshold expected for the associated phenotype(s). This variant has been observed in one or more individuals affected with the associated recessive disease, as either homozygous or compound heterozygous with a second variant (PMID: 16429405). Given the available evidence, this variant is classified as Pathogenic.

Dasa
Classification: Pathogenic. Last evaluated: 2025-01-28. Review status: criteria provided, single submitter. Criteria: DASA Assertion Criteria. Collection method: clinical testing. Allele origin: germline.
Comment: NM_000352.6(ABCC8):c.2797C>T (p.Arg933*) introduces a premature termination codon predicted to result in loss of normal protein function. Loss-of-function is an established mechanism of disease for this gene. This variant has been observed in affected individuals with related phenotype in a genotype context consistent with recessive disease (PMID: 16429405; PMID: 26740944; PMID: 27188453). This variant has been recurrently observed in individuals with related phenotype (PMID: 16429405; PMID: 26740944; PMID: 27188453). The variant is present at low frequency in population datasets. Based on the available data, this variant is classified as pathogenic.

Fulgent Genetics
Classification: Pathogenic for Type 2 diabetes mellitus; Leucine-induced hypoglycemia; Hyperinsulinemic hypoglycemia, familial, 1; Diabetes mellitus, transient neonatal, 2; Diabetes mellitus, permanent neonatal 3. Last evaluated: 2024-03-25. Review status: criteria provided, single submitter. Criteria: ACMG Guidelines, 2015. Collection method: clinical testing. Allele origin: germline.

Baylor Genetics
Classification: Pathogenic for Type 2 diabetes mellitus. Last evaluated: 2024-03-03. Review status: criteria provided, single submitter. Criteria: ACMG Guidelines, 2015. Collection method: clinical testing. Allele origin: unknown.

Labcorp Genetics (formerly Invitae), Labcorp
Classification: Pathogenic. Last evaluated: 2023-06-20. Review status: criteria provided, single submitter. Criteria: Invitae Variant Classification Sherloc (09022015). Collection method: clinical testing. Allele origin: germline.
Comment: This variant is present in population databases (rs570388861, gnomAD 0.003%). This premature translational stop signal has been observed in individuals with autosomal recessive hyperinsulinism (PMID: 16429405, 26740944, 27188453). This variant is also known as p.Arg934*. ClinVar contains an entry for this variant (Variation ID: 188864). For these reasons, this variant has been classified as Pathogenic. This sequence change creates a premature translational stop signal (p.Arg933*) in the ABCC8 gene. It is expected to result in an absent or disrupted protein product. Loss-of-function variants in ABCC8 are known to be pathogenic (PMID: 20685672, 23345197).

GeneDx
Classification: Pathogenic. Last evaluated: 2022-02-07. Review status: criteria provided, single submitter. Criteria: GeneDx Variant Classification Process June 2021. Collection method: clinical testing. Allele origin: germline. Affected: yes.
Comment: Nonsense variant predicted to result in protein truncation or nonsense mediated decay in a gene for which loss-of-function is a known mechanism of disease; This variant is associated with the following publications: (PMID: 25525159, 27188453, 24750227, 16429405, 26740944, 23275527, 18339976, 33822359)

Johns Hopkins Genomics, Johns Hopkins University
Classification: Likely pathogenic. Last evaluated: 2021-07-27. Review status: criteria provided, single submitter. Criteria: ACMG Guidelines, 2015. Collection method: clinical testing. Allele origin: germline.
Comment: ABCC8 c.2797C>T (rs570388861) is rare (<0.1%) in a large population dataset (gnomAD: 4/282772 total alleles; 0.0014%; no homozygotes) and has been reported in ClinVar (Variation ID: 188864). It has been reported in 2 individuals with congenital hyperinsulinism. This nonsense variant results in a premature stop codon in exon 23 of 39 likely leading to nonsense-mediated decay and lack of protein production. We consider ABCC8 c.2797C>T to be likely pathogenic.

Women's Health and Genetics/Laboratory Corporation of America, LabCorp
Classification: Pathogenic for Hyperinsulinemic hypoglycemia, familial, 1. Last evaluated: 2019-01-24. Review status: criteria provided, single submitter. Criteria: LabCorp Variant Classification Summary - May 2015. Collection method: clinical testing. Allele origin: germline.
Comment: Variant summary: ABCC8 c.2797C>T (p.Arg933X) results in a premature termination codon, predicted to cause a truncation of the encoded protein or absence of the protein due to nonsense mediated decay, which are commonly known mechanisms for disease. The variant allele was found at a frequency of 1.4e-05 in 277126 control chromosomes (gnomAD). c.2797C>T has been reported in the literature in multiple homozygous and comopound heterozygote individuals affected with Congenital Hyperinsulinism (Wang_2017, Martinez_2016, Snider_2013). These data indicate that the variant is very likely to be associated with disease. A ClinVar submission from a clinical diagnostic laboratory (evaluation after 2014) cites the variant as pathogenic. Based on the evidence outlined above, the variant was classified as pathogenic.

Genomic Diagnostic Laboratory, Division of Genomic Diagnostics, Children's Hospital of Philadelphia
Classification: Pathogenic. Last evaluated: 2015-10-07. Review status: no assertion criteria provided. Collection method: clinical testing. Allele origin: germline. Observed: 2 variant alleles. Not counted in ClinVar's aggregate classification.
Comment: Clinical Testing

Counsyl
Classification: Likely pathogenic for Persistent hyperinsulinemic hypoglycemia of infancy. Last evaluated: 2014-07-02. Review status: no assertion criteria provided. Collection method: literature only. Allele origin: unknown. Inheritance: Autosomal recessive inheritance. Not counted in ClinVar's aggregate classification.

Literature cited by the submitters: PubMed 16429405 (cited by 4 submitters); PubMed 26740944 (cited by 4 submitters); PubMed 27188453 (cited by 3 submitters); PubMed 20685672 (cited by Labcorp Genetics (formerly Invitae), Labcorp); PubMed 23345197 (cited by Labcorp Genetics (formerly Invitae), Labcorp); PubMed 30354297 (cited by Johns Hopkins Genomics, Johns Hopkins University); PubMed 32934261 (cited by Johns Hopkins Genomics, Johns Hopkins University); PubMed 23275527 (cited by Women's Health and Genetics/Laboratory Corporation of America, LabCorp); PubMed 28270372 (cited by Women's Health and Genetics/Laboratory Corporation of America, LabCorp); PubMed 24750227 (cited by Counsyl); PubMed 18339976 (cited by Counsyl).

NM_000352.6(ABCC8):c.2797C>T (p.Arg933Ter)

Gene: ABCC8 (ATP binding cassette subfamily C member 8; minus strand). Cytogenetic location: 11p15.1.
Variant type: single nucleotide variant.
Coding change: c.2797C>T on transcript NM_000352.6 (MANE Select); coding-DNA position 2797, C replaced by T.
Protein change: p.Arg933Ter; replaces arginine 933 with a stop codon.
Molecular consequence: nonsense. On other transcripts: non-coding transcript variant (1).
Genome position (GRCh38, 1-based): chr11:17,408,415, G>A on the plus strand (C>T on the coding strand, the complement: ABCC8 is on the minus strand). VCF-style: chr11-17408415-G-A. GRCh37 (hg19) VCF-style: chr11-17429962-G-A.
Other names: c.2800C>T, p.Arg934Ter (NM_001287174.3); c.2863C>T, p.Arg955Ter (NM_001351295.2); c.2797C>T, p.Arg933Ter (NM_001351296.2); c.2794C>T, p.Arg932Ter (NM_001351297.2); short protein forms R933*, R934*, R932*, R955*.
Identifiers: ClinVar variation 188864 (VCV000188864.22), dbSNP rs570388861, ClinGen allele CA248480.